The following is an entry in ClinVar:

NM_005751.5(AKAP9):c.34G>A (p.Ala12Thr)

Genes: AKAP9 (A-kinase anchoring protein 9; plus strand), LOC129998788 (ATAC-STARR-seq lymphoblastoid active region 26256; plus strand). Cytogenetic location: 7q21.2.
Variant type: single nucleotide variant.
Coding change: c.34G>A on transcript NM_005751.5 (MANE Select); coding-DNA position 34, G replaced by A.
Protein change: p.Ala12Thr; replaces alanine 12 with threonine.
Molecular consequence: missense variant.
Genome position (GRCh38, 1-based): chr7:91,941,133, G>A. VCF-style: chr7-91941133-G-A. GRCh37 (hg19) VCF-style: chr7-91570447-G-A.
Other names: c.34G>A, p.Ala12Thr (NM_147185.3); short protein forms A12T.
Identifiers: ClinVar variation 526996 (VCV000526996.12), dbSNP rs1431417772, ClinGen allele CA368119124.

ClinVar aggregate classification (germline): Uncertain significance. Review status: criteria provided, multiple submitters, no conflicts (2 of 4 stars). 2 submissions from 2 submitters: Uncertain significance (2). Last evaluated 2025-11-07.

Conditions:
Cardiovascular phenotype. Identifiers: MedGen CN230736.
Long QT syndrome (LQTS). Identifiers: MedGen C0023976, MeSH D008133, MONDO:0002442. Disease mechanism: loss of function. Inheritance: Various modes of inheritance.

Allele frequency attached by ClinVar (database versions not stated): gnomAD exomes below 0.00001 and 0.00001; gnomAD 0.00001; TOPMed 0.00001.
gnomAD v4.1: 21 of 1,613,992 alleles (0.0013%); highest among the groups gnomAD compares: Non-Finnish European, 0.0018%; no homozygotes.

Submissions (2):

Ambry Genetics
Classification: Uncertain significance for Cardiovascular phenotype. Last evaluated: 2025-11-07. Review status: criteria provided, single submitter. Criteria: Ambry Variant Classification Scheme 2023. Collection method: clinical testing. Allele origin: germline.
Comment: The p.A12T variant (also known as c.34G>A), located in coding exon 1 of the AKAP9 gene, results from a G to A substitution at nucleotide position 34. The alanine at codon 12 is replaced by threonine, an amino acid with similar properties. This amino acid position is conserved. In addition, the in silico prediction for this alteration is inconclusive. Since supporting evidence is limited at this time, the clinical significance of this alteration remains unclear.

Labcorp Genetics (formerly Invitae), Labcorp
Classification: Uncertain significance for Long QT syndrome. Last evaluated: 2024-12-18. Review status: criteria provided, single submitter. Criteria: Invitae Variant Classification Sherloc (09022015). Collection method: clinical testing. Allele origin: germline.
Comment: This sequence change replaces alanine, which is neutral and non-polar, with threonine, which is neutral and polar, at codon 12 of the AKAP9 protein (p.Ala12Thr). This variant is present in population databases (no rsID available, gnomAD 0.002%). This variant has not been reported in the literature in individuals affected with AKAP9-related conditions. ClinVar contains an entry for this variant (Variation ID: 526996). An algorithm developed to predict the effect of missense changes on protein structure and function (PolyPhen-2) suggests that this variant is likely to be disruptive. In summary, the available evidence is currently insufficient to determine the role of this variant in disease. Therefore, it has been classified as a Variant of Uncertain Significance.